The following is an entry in ClinVar:

ClinVar aggregate classification (germline): Uncertain significance. Review status: criteria provided, multiple submitters, no conflicts (2 of 4 stars). 2 submissions from 2 submitters: Uncertain significance (2). Last evaluated 2024-04-17.

Conditions:
Developmental and epileptic encephalopathy, 25 (DEE25). Also called: Epileptic encephalopathy, early infantile, 25; Developmental and epileptic encephalopathy 25, with amelogenesis imperfecta; Epileptic encephalopathy, early infantile, 25, with amelogenesis imperfecta. Identifiers: Orphanet 442835, MedGen C4014621, MONDO:0014392, OMIM 615905.

Submissions (2):

GeneDx
Classification: Uncertain significance. Last evaluated: 2024-04-17. Review status: criteria provided, single submitter. Criteria: GeneDx Variant Classification Process June 2021. Collection method: clinical testing. Allele origin: germline. Affected: yes.
Comment: Not observed at significant frequency in large population cohorts (gnomAD); In silico analysis supports that this missense variant has a deleterious effect on protein structure/function; Has not been previously published as pathogenic or benign to our knowledge

Labcorp Genetics (formerly Invitae), Labcorp
Classification: Uncertain significance for Developmental and epileptic encephalopathy, 25. Last evaluated: 2023-10-05. Review status: criteria provided, single submitter. Criteria: Invitae Variant Classification Sherloc (09022015). Collection method: clinical testing. Allele origin: germline.
Comment: This sequence change replaces threonine, which is neutral and polar, with isoleucine, which is neutral and non-polar, at codon 495 of the SLC13A5 protein (p.Thr495Ile). This variant is not present in population databases (gnomAD no frequency). This variant has not been reported in the literature in individuals affected with SLC13A5-related conditions. Advanced modeling of protein sequence and biophysical properties (such as structural, functional, and spatial information, amino acid conservation, physicochemical variation, residue mobility, and thermodynamic stability) performed at Invitae indicates that this missense variant is expected to disrupt SLC13A5 protein function. In summary, the available evidence is currently insufficient to determine the role of this variant in disease. Therefore, it has been classified as a Variant of Uncertain Significance.

NM_177550.5(SLC13A5):c.1484C>T (p.Thr495Ile)

Gene: SLC13A5 (solute carrier family 13 member 5; minus strand). Cytogenetic location: 17p13.1.
Variant type: single nucleotide variant.
Coding change: c.1484C>T on transcript NM_177550.5 (MANE Select); coding-DNA position 1484, C replaced by T.
Protein change: p.Thr495Ile; replaces threonine 495 with isoleucine.
Molecular consequence: missense variant. On other transcripts: intron variant (1).
Genome position (GRCh38, 1-based): chr17:6,687,620, G>A on the plus strand (C>T on the coding strand, the complement: SLC13A5 is on the minus strand). VCF-style: chr17-6687620-G-A. GRCh37 (hg19) VCF-style: chr17-6590939-G-A.
Other names: c.1433C>T, p.Thr478Ile (NM_001284509.2); c.1355C>T, p.Thr452Ile (NM_001284510.2); c.1438-1282C>T (NM_001143838.3); short protein forms T478I, T452I, T495I.
Identifiers: ClinVar variation 2765976 (VCV002765976.4), dbSNP rs2544605785, ClinGen allele CA397738326.